The following is an entry in ClinVar:

ClinVar aggregate classification (germline): Conflicting classifications of pathogenicity. Review status: criteria provided, conflicting classifications (1 of 4 stars). 6 submissions from 6 submitters: Uncertain significance (1); Likely benign (5). Last evaluated 2025-12-15.

Conditions:
EVC-related disorder. Also called: EVC-related disorders; EVC-related condition.
Ellis-van Creveld syndrome (EVC). Also called: MESOECTODERMAL DYSPLASIA; Chondroectodermal dysplasia. Identifiers: Orphanet 289, MedGen C0013903, MONDO:0009162, OMIM 225500.
Curry-Hall syndrome (WAD). Also called: WEYERS ACRODENTAL DYSOSTOSIS. Identifiers: Orphanet 952, MedGen C0457013, MONDO:0008673, OMIM 193530.

Allele frequency attached by ClinVar (database versions not stated): TOPMed 0.00034; gnomAD 0.00034 and 0.00031; ExAC 0.00007; gnomAD exomes 0.00008 and 0.00017; ESP Exome Variant Server 0.00031.
gnomAD v4.1: 169 of 1,614,060 alleles (0.01%); highest among the groups gnomAD compares: Admixed American, 0.12%; 1 homozygote.

Submissions (6):

Labcorp Genetics (formerly Invitae), Labcorp
Classification: Likely benign for Curry-Hall syndrome; Ellis-van Creveld syndrome. Last evaluated: 2025-12-15. Review status: criteria provided, single submitter. Criteria: Invitae Variant Classification Sherloc (09022015). Collection method: clinical testing. Allele origin: germline.

PreventionGenetics, part of Exact Sciences
Classification: Likely benign for EVC-related condition. Last evaluated: 2024-12-30. Review status: criteria provided, single submitter. Criteria: ACMG Guidelines, 2015. Collection method: clinical testing. Allele origin: germline.
Comment: This variant is classified as likely benign based on ACMG/AMP sequence variant interpretation guidelines (Richards et al. 2015 PMID: 25741868, with internal and published modifications).

Blueprint Genetics
Classification: Likely benign. Last evaluated: 2024-11-08. Review status: criteria provided, single submitter. Criteria: ACMG Guidelines, 2015. Collection method: clinical testing. Allele origin: germline.

ARUP Laboratories, Molecular Genetics and Genomics, ARUP Laboratories
Classification: Likely benign. Last evaluated: 2022-04-28. Review status: criteria provided, single submitter. Criteria: ARUP Molecular Germline Variant Investigation Process 2021. Collection method: clinical testing. Allele origin: germline.

Illumina Laboratory Services, Illumina
Classification: Uncertain significance for Ellis-van Creveld syndrome. Last evaluated: 2018-01-13. Review status: criteria provided, single submitter. Criteria: ICSL Variant Classification Criteria 13 December 2019. Collection method: clinical testing. Allele origin: germline.

GeneDx
Classification: Likely benign. Last evaluated: 2016-06-06. Review status: criteria provided, single submitter. Criteria: GeneDx Variant Classification (06012015). Collection method: clinical testing. Allele origin: germline. Affected: yes.
Comment: This variant is considered likely benign or benign based on one or more of the following criteria: it is a conservative change, it occurs at a poorly conserved position in the protein, it is predicted to be benign by multiple in silico algorithms, and/or has population frequency not consistent with disease.

NM_153717.3(EVC):c.2712C>T (p.Ser904=)

Gene: EVC (EvC ciliary complex subunit 1; plus strand). Cytogenetic location: 4p16.2.
Variant type: single nucleotide variant.
Coding change: c.2712C>T on transcript NM_153717.3 (MANE Select); coding-DNA position 2712, C replaced by T.
Protein change: p.Ser904=; no amino-acid change (serine 904 retained).
Molecular consequence: synonymous variant.
Genome position (GRCh38, 1-based): chr4:5,809,541, C>T. VCF-style: chr4-5809541-C-T. GRCh37 (hg19) VCF-style: chr4-5811268-C-T.
Other names: c.2712C>T, p.Ser904= (NM_001306090.2).
Identifiers: ClinVar variation 386783 (VCV000386783.20), dbSNP rs146829332, ClinGen allele CA2836667.
Genomic context (GRCh38, chr4:5,809,541, plus strand): 5'-AGGCCCAGCTGAATGCTCCTCTCTGCTTGCATTTCAGGAAGCTGAACAGAACTTCATCTC[C>T]GAGCTGGCAGCCTTGGCCCGAGTGCCCCTTGCTGAAAGCAAACTGTTGCCTGCTAAGCGT-3'
Protein context (NP_714928.1, residues 894-914): QLQEAEQNFI[Ser904=]ELAALARVPL